The following is an entry in ClinVar:

ClinVar aggregate classification (germline): Uncertain significance. Review status: criteria provided, multiple submitters, no conflicts (2 of 4 stars). 2 submissions from 2 submitters: Uncertain significance (2). Last evaluated 2023-03-10.

Conditions:
Hyperkalemic periodic paralysis. Also called: Familial hyperkalemic periodic paralysis; Gamstorp disease. Identifiers: Orphanet 682, MedGen C0238357, MONDO:0008224, OMIM 170500, HP:0007215.

Submissions (2):

Labcorp Genetics (formerly Invitae), Labcorp
Classification: Uncertain significance for Hyperkalemic periodic paralysis. Last evaluated: 2023-03-10. Review status: criteria provided, single submitter. Criteria: Invitae Variant Classification Sherloc (09022015). Collection method: clinical testing. Allele origin: germline.
Comment: This sequence change replaces valine, which is neutral and non-polar, with leucine, which is neutral and non-polar, at codon 793 of the SCN4A protein (p.Val793Leu). This variant is not present in population databases (gnomAD no frequency). This variant has not been reported in the literature in individuals affected with SCN4A-related conditions. An algorithm developed to predict the effect of missense changes on protein structure and function (PolyPhen-2) suggests that this variant is likely to be disruptive. In summary, the available evidence is currently insufficient to determine the role of this variant in disease. Therefore, it has been classified as a Variant of Uncertain Significance.

Revvity Omics, Revvity
Classification: Uncertain significance. Last evaluated: 2021-09-23. Review status: criteria provided, single submitter. Criteria: ACMG Guidelines, 2015. Collection method: clinical testing. Allele origin: germline.

NM_000334.4(SCN4A):c.2377G>C (p.Val793Leu)

Genes: GH-LCR (growth hormone locus control region; plus strand), SCN4A (sodium voltage-gated channel alpha subunit 4; minus strand). Cytogenetic location: 17q23.3.
Variant type: single nucleotide variant.
Coding change: c.2377G>C on transcript NM_000334.4 (MANE Select); coding-DNA position 2377, G replaced by C.
Protein change: p.Val793Leu; replaces valine 793 with leucine.
Molecular consequence: missense variant.
Genome position (GRCh38, 1-based): chr17:63,951,900, C>G on the plus strand (G>C on the coding strand, the complement: SCN4A is on the minus strand). VCF-style: chr17-63951900-C-G. GRCh37 (hg19) VCF-style: chr17-62029260-C-G.
Other names: short protein forms V793L.
Identifiers: ClinVar variation 2435713 (VCV002435713.6), dbSNP rs1487423681, ClinGen allele CA400627277.